The following is an entry in ClinVar:

NM_006005.3(WFS1):c.2251GAG[2] (p.Glu753del)

Gene: WFS1 (wolframin ER transmembrane glycoprotein; plus strand). Cytogenetic location: 4p16.1.
Variant type: Microsatellite.
Coding change: c.2251GAG[2] on transcript NM_006005.3 (MANE Select); two copies in a row of the 3-base unit GAG starting at c.2251; the reference has three copies in a row; one copy, 3 bases deleted.
Protein change: p.Glu753del; deletes glutamic acid 753.
Molecular consequence: inframe deletion.
Genome position (GRCh38, 1-based): chr4:6,302,052-6,302,054, GAG deleted; deleting any 3 consecutive bases within chr4:6,302,046-6,302,054 gives the same sequence; the position shown is the placement nearest the transcript's 3' end. VCF-style (leftmost placement, unchanged base first): chr4-6302045-CGAG-C. GRCh37 (hg19) VCF-style: chr4-6303772-CGAG-C.
Other names: c.2251GAG[2], p.Glu753del (NM_001145853.1); short protein forms E753del.
Identifiers: ClinVar variation 2171246 (VCV002171246.4), dbSNP rs1406711322, ClinGen allele CA549707941.
Genomic context (GRCh38, chr4:6,302,045, plus strand): 5'-GATGCGCTGCCTCTACGGCGAGGCCTACCCTGCCTGCAGCCCTGGCAACACCTCCACGGC[CGAG>C]GAGGAGCTCTGTCGCCTTAAGCTGCTGGCCAAGCACCCCTGCCACATCAAGAAGTTCGAC-3'

ClinVar aggregate classification (germline): Uncertain significance (1 of 4 stars; one submission).

Submission:

Labcorp Genetics (formerly Invitae), Labcorp
Classification: Uncertain significance. Last evaluated: 2022-08-12. Review status: criteria provided, single submitter. Criteria: Invitae Variant Classification Sherloc (09022015). Collection method: clinical testing. Allele origin: germline.
Comment: In summary, the available evidence is currently insufficient to determine the role of this variant in disease. Therefore, it has been classified as a Variant of Uncertain Significance. Experimental studies and prediction algorithms are not available or were not evaluated, and the functional significance of this variant is currently unknown. This variant has not been reported in the literature in individuals affected with WFS1-related conditions. This variant is present in population databases (no rsID available, gnomAD 0.02%). This variant, c.2257_2259del, results in the deletion of 1 amino acid(s) of the WFS1 protein (p.Glu753del), but otherwise preserves the integrity of the reading frame.